The following is an entry in ClinVar:

ClinVar aggregate classification (germline): Uncertain significance (1 of 4 stars; one submission).

Submission:

Labcorp Genetics (formerly Invitae), Labcorp
Classification: Uncertain significance. Last evaluated: 2021-07-31. Review status: criteria provided, single submitter. Criteria: Invitae Variant Classification Sherloc (09022015). Collection method: clinical testing. Allele origin: germline.
Comment: In summary, the available evidence is currently insufficient to determine the role of this variant in disease. Therefore, it has been classified as a Variant of Uncertain Significance. Algorithms developed to predict the effect of missense changes on protein structure and function are either unavailable or do not agree on the potential impact of this missense change (SIFT: "Tolerated"; PolyPhen-2: "Probably Damaging"; Align-GVGD: "Class C0"). This variant has not been reported in the literature in individuals affected with TYRP1-related conditions. This variant is not present in population databases (ExAC no frequency). This sequence change replaces proline with alanine at codon 328 of the TYRP1 protein (p.Pro328Ala). The proline residue is highly conserved and there is a small physicochemical difference between proline and alanine.

NM_000550.3(TYRP1):c.982C>G (p.Pro328Ala)

Genes: LURAP1L-AS1 (LURAP1L antisense RNA 1; minus strand), TYRP1 (tyrosinase related protein 1; plus strand). Cytogenetic location: 9p23.
Variant type: single nucleotide variant.
Coding change: c.982C>G on transcript NM_000550.3 (MANE Select); coding-DNA position 982, C replaced by G.
Protein change: p.Pro328Ala; replaces proline 328 with alanine.
Molecular consequence: missense variant.
Genome position (GRCh38, 1-based): chr9:12,702,339, C>G. VCF-style: chr9-12702339-C-G. GRCh37 (hg19) VCF-style: chr9-12702339-C-G.
Other names: short protein forms P328A.
Identifiers: ClinVar variation 1479348 (VCV001479348.6), dbSNP rs1225068254, ClinGen allele CA372941645.
Genomic context (GRCh38, chr9:12,702,339, plus strand): 5'-GATGGGCCAATTAGGAGAAATCCAGCTGGAAATGTGGCCAGACCAATGGTGCAACGTCTT[C>G]CTGAACCACAGGATGTCGCTCAGTGCTTGGAAGTTGGTTTATTTGACACGCCTCCTTTTT-3'
Protein context (NP_000541.1, residues 318-338): NVARPMVQRL[Pro328Ala]EPQDVAQCLE